The following is an entry in ClinVar:

NM_032043.3(BRIP1):c.1126C>T (p.Gln376Ter)

Gene: BRIP1 (BRCA1 interacting DNA helicase 1; minus strand). Cytogenetic location: 17q23.2.
Variant type: single nucleotide variant.
Coding change: c.1126C>T on transcript NM_032043.3 (MANE Select); coding-DNA position 1126, C replaced by T.
Protein change: p.Gln376Ter; replaces glutamine 376 with a stop codon.
Molecular consequence: nonsense.
Genome position (GRCh38, 1-based): chr17:61,801,267, G>A on the plus strand (C>T on the coding strand, the complement: BRIP1 is on the minus strand). VCF-style: chr17-61801267-G-A. GRCh37 (hg19) VCF-style: chr17-59878628-G-A.
Other names: short protein forms Q376*.
Identifiers: ClinVar variation 491400 (VCV000491400.23), dbSNP rs1028347439, ClinGen allele CA292286062.

ClinVar aggregate classification (germline): Pathogenic/Likely pathogenic. Review status: criteria provided, multiple submitters, no conflicts (2 of 4 stars). 7 submissions from 7 submitters: Pathogenic (6); Likely pathogenic (1). Last evaluated 2025-10-18.

Conditions:
Hereditary cancer-predisposing syndrome. Also called: Tumor predisposition; Neoplastic Syndromes, Hereditary; Hereditary Cancer Syndrome; Hereditary neoplastic syndrome. Identifiers: Orphanet 140162, MedGen C0027672, MeSH D009386, MONDO:0015356.
Fanconi anemia complementation group J. Also called: BRIP1-Related Fanconi Anemia. Identifiers: Orphanet 84, MedGen C1836860, MONDO:0012187, OMIM 609054.
Familial cancer of breast. Also called: BREAST CANCER, FAMILIAL; hereditary breast carcinoma; Hereditary breast cancer. Identifiers: Orphanet 227535, MedGen C0346153, MONDO:0016419, OMIM 114480. Disease mechanism: loss of function.

Allele frequency attached by ClinVar (database versions not stated): gnomAD 0.00001; TOPMed 0.00001.
gnomAD v4.1: 1 of 1,612,078 alleles (0.000062%); highest among the groups gnomAD compares: Non-Finnish European, 0.000085%; no homozygotes.

Submissions (7):

Labcorp Genetics (formerly Invitae), Labcorp
Classification: Pathogenic for Familial cancer of breast; Fanconi anemia complementation group J. Last evaluated: 2025-10-18. Review status: criteria provided, single submitter. Criteria: Invitae Variant Classification Sherloc (09022015). Collection method: clinical testing. Allele origin: germline.
Comment: This sequence change creates a premature translational stop signal (p.Gln376*) in the BRIP1 gene. It is expected to result in an absent or disrupted protein product. Loss-of-function variants in BRIP1 are known to be pathogenic (PMID: 16116423, 17033622, 21964575). This variant is not present in population databases (gnomAD no frequency). This premature translational stop signal has been observed in individual(s) with breast cancer (PMID: 28486781). ClinVar contains an entry for this variant (Variation ID: 491400). Algorithms developed to predict the effect of sequence changes on RNA splicing suggest that this variant may disrupt the consensus splice site. For these reasons, this variant has been classified as Pathogenic.

Color Diagnostics, LLC DBA Color Health
Classification: Pathogenic for Hereditary cancer-predisposing syndrome. Last evaluated: 2025-09-12. Review status: criteria provided, single submitter. Criteria: ACMG Guidelines, 2015. Collection method: clinical testing. Allele origin: germline.
Comment: This variant changes 1 nucleotide in exon 8 of the BRIP1 gene, creating a premature translation stop signal. This variant is expected to result in an absent or non-functional protein product. This variant has been reported in individuals affected with breast cancer (PMID: 28486781, 33471991) and in an individual affected with Fanconi anemia (PMID: 31558676). This variant has not been identified in the general population by the Genome Aggregation Database (gnomAD). Loss of BRIP1 function is a known mechanism of disease. Based on the available evidence, this variant is classified as Pathogenic.

Ambry Genetics
Classification: Pathogenic for Hereditary cancer-predisposing syndrome. Last evaluated: 2023-07-03. Review status: criteria provided, single submitter. Criteria: Ambry Variant Classification Scheme 2023. Collection method: clinical testing. Allele origin: germline.
Comment: The p.Q376* pathogenic mutation (also known as c.1126C>T), located in coding exon 7 of the BRIP1 gene, results from a C to T substitution at nucleotide position 1126. This changes the amino acid from a glutamine to a stop codon within coding exon 7. This variant has been identified in the homozygous state in an individual diagnosed with Fanconi anemia (Steinberg-Shemer O et al. Haematologica, 2020 Jul;105:1825-1834). This variant is considered to be rare based on population cohorts in the Genome Aggregation Database (gnomAD). In addition to the clinical data presented in the literature, this alteration is expected to result in loss of function by premature protein truncation or nonsense-mediated mRNA decay. As such, this alteration is interpreted as a disease-causing mutation.

Myriad Genetics, Inc.
Classification: Pathogenic for Familial cancer of breast. Last evaluated: 2023-06-01. Review status: criteria provided, single submitter. Criteria: Myriad Autosomal Dominant, Autosomal Recessive and X-Linked Classification Criteria (2023). Collection method: clinical testing. Allele origin: unknown.
Comment: This variant is considered pathogenic. This variant creates a termination codon and is predicted to result in premature protein truncation.

Revvity Omics, Revvity
Classification: Likely pathogenic for Fanconi anemia complementation group J. Last evaluated: 2023-04-26. Review status: criteria provided, single submitter. Criteria: ACMG Guidelines, 2015. Collection method: clinical testing. Allele origin: germline.

Baylor Genetics
Classification: Pathogenic for Familial cancer of breast. Last evaluated: 2022-12-05. Review status: criteria provided, single submitter. Criteria: ACMG Guidelines, 2015. Collection method: clinical testing. Allele origin: unknown.

Sema4
Classification: Pathogenic for Hereditary cancer-predisposing syndrome. Last evaluated: 2022-02-19. Review status: criteria provided, single submitter. Criteria: Sema4 Curation Guidelines. Collection method: curation. Allele origin: germline.
Comment: The BRIP1 c.1126C>T (p.Q376X) variant has been reported in patients with breast cancer (PMID: 28486781, 33471991) and Fanconi Anemia (PMID: 31558676). This nonsense variant creates a premature stop codon at residue 376 of the BRIP1 protein. At this location, this is predicted to cause nonsense-mediated decay and result in an absent protein (loss of function). Loss of function variants in BRIP1 are known to be pathogenic (PMID: 16116423, 17033622, 21964575). This variant is not reported in the population database Genome Aggregation Database (PMID: 32461654). The variant has been reported in ClinVar (Variation ID 491400). Based on the current evidence available, this variant is interpreted as pathogenic.

Literature cited by the submitters: PubMed 16116423 (cited by Labcorp Genetics (formerly Invitae), Labcorp and Sema4); PubMed 17033622 (cited by Labcorp Genetics (formerly Invitae), Labcorp and Sema4); PubMed 21964575 (cited by Labcorp Genetics (formerly Invitae), Labcorp and Sema4); PubMed 28486781 (cited by 3 submitters); PubMed 31558676 (cited by 3 submitters); PubMed 33471991 (cited by Color Diagnostics, LLC DBA Color Health and Sema4).